The following is an entry in ClinVar:

NM_024675.4(PALB2):c.551G>C (p.Ser184Thr)

Gene: PALB2 (partner and localizer of BRCA2; minus strand). Cytogenetic location: 16p12.2.
Variant type: single nucleotide variant.
Coding change: c.551G>C on transcript NM_024675.4 (MANE Select); coding-DNA position 551, G replaced by C.
Protein change: p.Ser184Thr; replaces serine 184 with threonine.
Molecular consequence: missense variant.
Genome position (GRCh38, 1-based): chr16:23,635,995, C>G on the plus strand (G>C on the coding strand, the complement: PALB2 is on the minus strand). VCF-style: chr16-23635995-C-G. GRCh37 (hg19) VCF-style: chr16-23647316-C-G.
Other names: p.S184T:AGC>ACC; short protein forms S184T.
Identifiers: ClinVar variation 128145 (VCV000128145.22), dbSNP rs587780220, ClinGen allele CA288489.

ClinVar aggregate classification (germline): Conflicting classifications of pathogenicity. Review status: criteria provided, conflicting classifications (1 of 4 stars). 5 submissions from 5 submitters: Uncertain significance (4); Likely benign (1). Last evaluated 2024-08-06.

Conditions:
Hereditary cancer-predisposing syndrome. Also called: Tumor predisposition; Hereditary Cancer Syndrome; Neoplastic Syndromes, Hereditary; Hereditary neoplastic syndrome. Identifiers: Orphanet 140162, MedGen C0027672, MeSH D009386, MONDO:0015356.
Familial cancer of breast. Also called: BREAST CANCER, FAMILIAL; Hereditary breast cancer; hereditary breast carcinoma. Identifiers: Orphanet 227535, MedGen C0346153, MONDO:0016419, OMIM 114480. Disease mechanism: loss of function.
Pancreatic cancer, susceptibility to, 3. Identifiers: Orphanet 1333, MedGen C3150547, MONDO:0013236, OMIM 613348.
Fanconi anemia complementation group N. Also called: PALB2-Related Fanconi Anemia. Identifiers: Orphanet 84, MedGen C1835817, MONDO:0012565, OMIM 610832. Disease mechanism: loss of function.

Allele frequency attached by ClinVar (database versions not stated): gnomAD exomes below 0.00001; TOPMed below 0.00001.
gnomAD v4.1: 7 of 1,614,126 alleles (0.00043%); highest among the groups gnomAD compares: Non-Finnish European, 0.00059%; no homozygotes.

Submissions (5):

Labcorp Genetics (formerly Invitae), Labcorp
Classification: Uncertain significance for Familial cancer of breast. Last evaluated: 2024-08-06. Review status: criteria provided, single submitter. Criteria: Invitae Variant Classification Sherloc (09022015). Collection method: clinical testing. Allele origin: germline.
Comment: This sequence change replaces serine, which is neutral and polar, with threonine, which is neutral and polar, at codon 184 of the PALB2 protein (p.Ser184Thr). This variant is not present in population databases (gnomAD no frequency). This variant has not been reported in the literature in individuals affected with PALB2-related conditions. ClinVar contains an entry for this variant (Variation ID: 128145). An algorithm developed to predict the effect of missense changes on protein structure and function (PolyPhen-2) suggests that this variant is likely to be tolerated. In summary, the available evidence is currently insufficient to determine the role of this variant in disease. Therefore, it has been classified as a Variant of Uncertain Significance.

Color Diagnostics, LLC DBA Color Health
Classification: Uncertain significance for Hereditary cancer-predisposing syndrome. Last evaluated: 2024-05-24. Review status: criteria provided, single submitter. Criteria: ACMG Guidelines, 2015. Collection method: clinical testing. Allele origin: germline.
Comment: This missense variant replaces serine with threonine at codon 184 of the PALB2 protein. Computational prediction suggests that this variant may not impact protein structure and function. To our knowledge, functional studies have not been performed for this variant. This variant has been detected in a breast cancer case-control meta-analysis in 1/60466 cases and 0/53461 unaffected individuals (PMID: 33471991; Leiden Open Variation Database DB-ID PALB2_011166). This variant has not been identified in the general population by the Genome Aggregation Database (gnomAD). The available evidence is insufficient to determine the role of this variant in disease conclusively. Therefore, this variant is classified as a Variant of Uncertain Significance.

Ambry Genetics
Classification: Likely benign for Hereditary cancer-predisposing syndrome. Last evaluated: 2024-03-27. Review status: criteria provided, single submitter. Criteria: Ambry Variant Classification Scheme 2023. Collection method: clinical testing. Allele origin: germline.

Fulgent Genetics
Classification: Uncertain significance for Familial cancer of breast; Fanconi anemia complementation group N; Pancreatic cancer, susceptibility to, 3. Last evaluated: 2022-01-10. Review status: criteria provided, single submitter. Criteria: ACMG Guidelines, 2015. Collection method: clinical testing. Allele origin: unknown.

GeneDx
Classification: Uncertain significance. Last evaluated: 2014-02-28. Review status: criteria provided, single submitter. Criteria: GeneDx Variant Classification (06012015). Collection method: clinical testing. Allele origin: germline. Affected: yes.
Comment: This variant is denoted PALB2 c.551G>C at the cDNA level, p.Ser184Thr (S184T) at the protein level, and results in the change of a Serine to a Threonine (AGC>ACC). This variant has not, to our knowledge, been published in the literature as pathogenic or benign. PALB2 Ser184Thr was not observed in approximately 6,500 individuals of European and African American ancestry in the NHLBI Exome Sequencing Project, indicating it is not a common benign variant in these populations. Since Serine and Threonine share similar properties, this is considered a conservative amino acid substitution and is unlikely to affect protein integrity. PALB2 Ser184Thr occurs at a position that is highly variable across species and is located in the region of interaction with BRCA1 and RAD51 (UniProt). In silico analyses predict that this variant is unlikely to alter protein structure or function. Based on currently available information, it is unclear whether PALB2 Ser184Thr is pathogenic or benign. We consider it to be a variant of uncertain significance.

Literature cited by the submitters: PubMed 33471991 (cited by Color Diagnostics, LLC DBA Color Health).